The following is an entry in ClinVar:

ClinVar aggregate classification (germline): Benign. Review status: criteria provided, multiple submitters, no conflicts (2 of 4 stars). 5 submissions from 5 submitters: Benign (4). 1 of the submissions does not count toward it. Last evaluated 2026-02-02.

Conditions:
CACNA1G-related disorder. Also called: CACNA1G-related disorders; CACNA1G-related condition.

Allele frequency attached by ClinVar (database versions not stated): ESP Exome Variant Server 0.02747; TOPMed 0.03185; 1000 Genomes Project 0.03754; 1000 Genomes Project 30x 0.03873.

Submissions (5):

Labcorp Genetics (formerly Invitae), Labcorp
Classification: Benign. Last evaluated: 2026-02-02. Review status: criteria provided, single submitter. Criteria: Invitae Variant Classification Sherloc (09022015). Collection method: clinical testing. Allele origin: germline.

Mayo Clinic Laboratories, Mayo Clinic
Classification: Benign. Last evaluated: 2024-04-01. Review status: criteria provided, single submitter. Criteria: ACMG Guidelines, 2015. Collection method: clinical testing. Allele origin: germline. Observed: 9 variant alleles.

GeneDx
Classification: Benign. Last evaluated: 2021-03-28. Review status: criteria provided, single submitter. Criteria: GeneDx Variant Classification Process June 2021. Collection method: clinical testing. Allele origin: germline. Affected: yes.

Breakthrough Genomics
Classification: Benign. Review status: criteria provided, single submitter. Criteria: ACMG Guidelines, 2015. Collection method: not provided. Allele origin: germline. Inheritance: Autosomal dominant inheritance. Affected: yes.

PreventionGenetics, part of Exact Sciences
Classification: Benign for CACNA1G-related condition. Last evaluated: 2019-03-08. Review status: no assertion criteria provided. Collection method: clinical testing. Allele origin: germline. Not counted in ClinVar's aggregate classification.
Comment: This variant is classified as benign based on ACMG/AMP sequence variant interpretation guidelines (Richards et al. 2015 PMID: 25741868, with internal and published modifications).

NM_018896.5(CACNA1G):c.6322G>T (p.Ala2108Ser)

Gene: CACNA1G (calcium voltage-gated channel subunit alpha1 G; plus strand). Cytogenetic location: 17q21.33.
Variant type: single nucleotide variant.
Coding change: c.6322G>T on transcript NM_018896.5 (MANE Select); coding-DNA position 6322, G replaced by T.
Protein change: p.Ala2108Ser; replaces alanine 2108 with serine.
Molecular consequence: missense variant. On other transcripts: non-coding transcript variant (5).
Genome position (GRCh38, 1-based): chr17:50,624,452, G>T. VCF-style: chr17-50624452-G-T. GRCh37 (hg19) VCF-style: chr17-48701813-G-T.
Other names: p.Ala2108Ser; c.6133G>T, p.Ala2045Ser (NM_001256324.2); c.6064G>T, p.Ala2022Ser (NM_001256325.2); c.6052G>T, p.Ala2018Ser (NM_001256326.2); c.6022G>T, p.Ala2008Ser (NM_001256327.2); c.5968G>T, p.Ala1990Ser (NM_001256328.2); c.5941G>T, p.Ala1981Ser (NM_001256329.2, NM_198376.3, NM_198387.3); c.5908G>T, p.Ala1970Ser (NM_001256330.2); and 16 more; short protein forms A1958S, A1963S, A1970S, A1974S, A1977S, A1979S, A1981S, A1988S.
Identifiers: ClinVar variation 1232827 (VCV001232827.12), dbSNP rs8066269, ClinGen allele CA8653634.